The following is an entry in ClinVar:

NM_000478.6(ALPL):c.146A>G (p.Asn49Ser)

Gene: ALPL (alkaline phosphatase, biomineralization associated; plus strand). Cytogenetic location: 1p36.12.
Variant type: single nucleotide variant.
Coding change: c.146A>G on transcript NM_000478.6 (MANE Select); coding-DNA position 146, A replaced by G.
Protein change: p.Asn49Ser; replaces asparagine 49 with serine.
Molecular consequence: missense variant. On other transcripts: 5 prime UTR variant (1).
Genome position (GRCh38, 1-based): chr1:21,560,710, A>G. VCF-style: chr1-21560710-A-G. GRCh37 (hg19) VCF-style: chr1-21887203-A-G.
Other names: c.-20A>G (NM_001127501.4); c.31A>G, p.Thr11Ala (NM_001177520.3); c.146A>G, p.Asn49Ser (NM_001369803.2, NM_001369804.2, NM_001369805.2); c.146A>G (NM_000478.4); short protein forms N49S, T11A.
Identifiers: ClinVar variation 3013376 (VCV003013376.7), dbSNP rs868522953, ClinGen allele CA19088109.

ClinVar aggregate classification (germline): Conflicting classifications of pathogenicity. Review status: criteria provided, conflicting classifications (1 of 4 stars). 3 submissions from 3 submitters: Pathogenic (1); Uncertain significance (2). Last evaluated 2025-09-23.

Allele frequency attached by ClinVar (database versions not stated): TOPMed below 0.00001; gnomAD 0.00001.
gnomAD v4.1: 2 of 1,613,986 alleles (0.00012%); highest among the groups gnomAD compares: Non-Finnish European, 0.00017%; no homozygotes.

Submissions (3):

Women's Health and Genetics/Laboratory Corporation of America, LabCorp
Classification: Uncertain significance. Last evaluated: 2025-09-23. Review status: criteria provided, single submitter. Criteria: LabCorp Variant Classification Summary - May 2015. Collection method: clinical testing. Allele origin: germline.
Comment: Variant summary: ALPL c.146A>G (p.Asn49Ser) results in a conservative amino acid change in the encoded protein sequence. Algorithms developed to predict the effect of missense changes on protein structure and function are either unavailable or do not agree on the potential impact of this missense change. The variant was absent in 251428 control chromosomes. The available data on variant occurrences in the general population are insufficient to allow any conclusion about variant significance. c.146A>G has been observed in the presumed compound heterozygous state in at least 1 individual affected with Hypophosphatasia (Labcorp Genetics (formerly Invitae)). These data do not allow any conclusion about variant significance. To our knowledge, no experimental evidence demonstrating an impact on protein function has been reported. ClinVar contains an entry for this variant (Variation ID: 3013376). Based on the evidence outlined above, the variant was classified as uncertain significance.

GeneDx
Classification: Uncertain significance. Last evaluated: 2024-11-14. Review status: criteria provided, single submitter. Criteria: GeneDx Variant Classification Process June 2021. Collection method: clinical testing. Allele origin: germline. Affected: yes.
Comment: Not observed at significant frequency in large population cohorts (gnomAD); In silico analysis indicates that this missense variant does not alter protein structure/function; Has not been previously published as pathogenic or benign to our knowledge

Labcorp Genetics (formerly Invitae), Labcorp
Classification: Pathogenic. Last evaluated: 2023-06-27. Review status: criteria provided, single submitter. Criteria: Invitae Variant Classification Sherloc (09022015). Collection method: clinical testing. Allele origin: germline.
Comment: For these reasons, this variant has been classified as Pathogenic. This variant disrupts the p.Asn49 amino acid residue in ALPL. Other variant(s) that disrupt this residue have been determined to be pathogenic (Invitae). This suggests that this residue is clinically significant, and that variants that disrupt this residue are likely to be disease-causing. Advanced modeling of protein sequence and biophysical properties (such as structural, functional, and spatial information, amino acid conservation, physicochemical variation, residue mobility, and thermodynamic stability) performed at Invitae indicates that this missense variant is expected to disrupt ALPL protein function. This missense change has been observed in individual(s) with clinical features of hypophosphatasia (Invitae). This variant is present in population databases (no rsID available, gnomAD 0.007%). This sequence change replaces asparagine, which is neutral and polar, with serine, which is neutral and polar, at codon 49 of the ALPL protein (p.Asn49Ser).